The following is an entry in ClinVar:

NM_003227.4(TFR2):c.2317C>T (p.Arg773Trp)

Gene: TFR2 (transferrin receptor 2; minus strand). Cytogenetic location: 7q22.1.
Variant type: single nucleotide variant.
Coding change: c.2317C>T on transcript NM_003227.4 (MANE Select); coding-DNA position 2317, C replaced by T.
Protein change: p.Arg773Trp; replaces arginine 773 with tryptophan.
Molecular consequence: missense variant.
Genome position (GRCh38, 1-based): chr7:100,620,946, G>A on the plus strand (C>T on the coding strand, the complement: TFR2 is on the minus strand). VCF-style: chr7-100620946-G-A. GRCh37 (hg19) VCF-style: chr7-100218569-G-A.
Other names: c.1804C>T, p.Arg602Trp (NM_001206855.3); short protein forms R602W, R773W.
Identifiers: ClinVar variation 4979596 (VCV004979596.1).

ClinVar aggregate classification (germline): Uncertain significance (1 of 4 stars; one submission).

Conditions:
TFR2-related disorder. Also called: TFR2-related condition.

gnomAD v4.1: 53 of 1,613,758 alleles (0.0033%); highest among the groups gnomAD compares: Non-Finnish European, 0.0039%; no homozygotes.

Submission:

PreventionGenetics, part of Exact Sciences
Classification: Uncertain significance for TFR2-related condition. Last evaluated: 2025-11-21. Review status: criteria provided, single submitter. Criteria: ACMG Guidelines, 2015. Collection method: clinical testing. Allele origin: germline.
Comment: The TFR2 c.2317C>T variant is predicted to result in the amino acid substitution p.Arg773Trp. To our knowledge, this variant has not been reported in the literature. This variant is reported in 0.011% of alleles in individuals of European (Non-Finnish) descent in gnomAD. At this time, the clinical significance of this variant is uncertain due to the absence of conclusive functional and genetic evidence.